The following is an entry in ClinVar:

ClinVar aggregate classification (germline): Uncertain significance. Review status: criteria provided, multiple submitters, no conflicts (2 of 4 stars). 2 submissions from 2 submitters: Uncertain significance (2). Last evaluated 2024-04-02.

Allele frequency attached by ClinVar (database versions not stated): ExAC 0.00003; gnomAD exomes 0.00006 and 0.00021; ESP Exome Variant Server 0.00008; gnomAD 0.00009; TOPMed 0.00009.
gnomAD v4.1: 316 of 1,612,516 alleles (0.02%); highest among the groups gnomAD compares: Non-Finnish European, 0.026%; no homozygotes.

Submissions (2):

Blueprint Genetics
Classification: Uncertain significance. Last evaluated: 2024-04-02. Review status: criteria provided, single submitter. Criteria: ACMG Guidelines, 2015. Collection method: clinical testing. Allele origin: germline.

Labcorp Genetics (formerly Invitae), Labcorp
Classification: Uncertain significance. Last evaluated: 2022-08-01. Review status: criteria provided, single submitter. Criteria: Invitae Variant Classification Sherloc (09022015). Collection method: clinical testing. Allele origin: germline.
Comment: This sequence change replaces glycine, which is neutral and non-polar, with arginine, which is basic and polar, at codon 85 of the CFAP410 protein (p.Gly85Arg). This variant is present in population databases (rs377185498, gnomAD 0.01%). This variant has not been reported in the literature in individuals affected with CFAP410-related conditions. ClinVar contains an entry for this variant (Variation ID: 968466). Algorithms developed to predict the effect of missense changes on protein structure and function (SIFT, PolyPhen-2, Align-GVGD) all suggest that this variant is likely to be tolerated. In summary, the available evidence is currently insufficient to determine the role of this variant in disease. Therefore, it has been classified as a Variant of Uncertain Significance.

NM_004928.3(CFAP410):c.253G>A (p.Gly85Arg)

Gene: CFAP410 (cilia and flagella associated protein 410; minus strand). Cytogenetic location: 21q22.3.
Variant type: single nucleotide variant.
Coding change: c.253G>A on transcript NM_004928.3 (MANE Select); coding-DNA position 253, G replaced by A.
Protein change: p.Gly85Arg; replaces glycine 85 with arginine.
Molecular consequence: missense variant.
Genome position (GRCh38, 1-based): chr21:44,333,153, C>T on the plus strand (G>A on the coding strand, the complement: CFAP410 is on the minus strand). VCF-style: chr21-44333153-C-T. GRCh37 (hg19) VCF-style: chr21-45753036-C-T.
Other names: c.253G>A, p.Gly85Arg (NM_001271440.2, NM_001271441.2); c.130G>A, p.Gly44Arg (NM_001271442.1); short protein forms G44R, G85R.
Identifiers: ClinVar variation 968466 (VCV000968466.8), dbSNP rs377185498, ClinGen allele CA10053749.